The following is an entry in ClinVar:

ClinVar aggregate classification (germline): Conflicting classifications of pathogenicity. Review status: criteria provided, conflicting classifications (1 of 4 stars). 2 submissions from 2 submitters: Uncertain significance (1); Likely benign (1). Last evaluated 2025-09-23.

Conditions:
Inborn genetic diseases. Identifiers: MedGen C0950123, MeSH D030342.

Allele frequency attached by ClinVar (database versions not stated): ExAC 0.00001; gnomAD exomes 0.00001.
gnomAD v4.1: 3 of 1,613,918 alleles (0.00019%); highest among the groups gnomAD compares: Non-Finnish European, 0.00025%; no homozygotes.

Submissions (2):

Labcorp Genetics (formerly Invitae), Labcorp
Classification: Uncertain significance. Last evaluated: 2025-09-23. Review status: criteria provided, single submitter. Criteria: Invitae Variant Classification Sherloc (09022015). Collection method: clinical testing. Allele origin: germline.
Comment: This sequence change replaces glutamic acid, which is acidic and polar, with glycine, which is neutral and non-polar, at codon 824 of the ASXL1 protein (p.Glu824Gly). This variant is present in population databases (rs775181549, gnomAD 0.002%). This variant has not been reported in the literature in individuals affected with ASXL1-related conditions. ClinVar contains an entry for this variant (Variation ID: 1392011). An algorithm developed to predict the effect of missense changes on protein structure and function outputs the following: PolyPhen-2: "Benign". The glycine amino acid residue is found in multiple mammalian species, which suggests that this missense change does not adversely affect protein function. In summary, the available evidence is currently insufficient to determine the role of this variant in disease. Therefore, it has been classified as a Variant of Uncertain Significance.

Ambry Genetics
Classification: Likely benign for Inborn genetic diseases. Last evaluated: 2024-12-14. Review status: criteria provided, single submitter. Criteria: Ambry Variant Classification Scheme 2023. Collection method: clinical testing. Allele origin: germline.

NM_015338.6(ASXL1):c.2471A>G (p.Glu824Gly)

Gene: ASXL1 (ASXL transcriptional regulator 1; plus strand). Cytogenetic location: 20q11.21.
Variant type: single nucleotide variant.
Coding change: c.2471A>G on transcript NM_015338.6 (MANE Select); coding-DNA position 2471, A replaced by G.
Protein change: p.Glu824Gly; replaces glutamic acid 824 with glycine.
Molecular consequence: missense variant.
Genome position (GRCh38, 1-based): chr20:32,435,183, A>G. VCF-style: chr20-32435183-A-G. GRCh37 (hg19) VCF-style: chr20-31022986-A-G.
Other names: c.2288A>G, p.Glu763Gly (NM_001363734.1); c.2471A>G (NM_015338.5); short protein forms E824G, E763G.
Identifiers: ClinVar variation 1392011 (VCV001392011.9), dbSNP rs775181549, ClinGen allele CA9808627.